The following is an entry in ClinVar:

NM_001110556.2(FLNA):c.4945+10C>T

Gene: FLNA (filamin A; minus strand). Cytogenetic location: Xq28.
Variant type: single nucleotide variant.
Coding change: c.4945+10C>T on transcript NM_001110556.2 (MANE Select); 10 bases into the intron after coding-DNA position 4945, C replaced by T.
Molecular consequence: intron variant.
Genome position (GRCh38, 1-based): chrX:154,357,424, G>A on the plus strand (C>T on the coding strand, the complement: FLNA is on the minus strand). VCF-style: chrX-154357424-G-A. GRCh37 (hg19) VCF-style: chrX-153585792-G-A.
Other names: c.4945+10C>T (NM_001110556.1, NM_001456.4).
Identifiers: ClinVar variation 1546693 (VCV001546693.11), dbSNP rs2148109545, ClinGen allele CA2573159398.

ClinVar aggregate classification (germline): Likely benign. Review status: criteria provided, multiple submitters, no conflicts (2 of 4 stars). 3 submissions from 3 submitters: Likely benign (2). 1 of the submissions does not count toward it. Last evaluated 2024-01-03.

Conditions:
FLNA-related disorder.
Oto-palato-digital syndrome, type II (OPD2). Also called: Otopalatodigital Syndrome Type 2 (FLNA-OPD2); FACIOPALATOOSSEOUS SYNDROME; OPD II SYNDROME; Otopalatodigital Syndrome, Type II. Identifiers: Orphanet 669, Orphanet 90652, MedGen C1844696, MONDO:0010571, OMIM 304120.
Frontometaphyseal dysplasia (FMD1). Identifiers: Orphanet 1826, MedGen C0265293, MONDO:0015942.
Heterotopia, periventricular, X-linked dominant (PVNH1). Also called: X-linked periventricular heterotopia; PERIVENTRICULAR NODULAR HETEROTOPIA 1; PERIVENTRICULAR NODULAR HETEROTOPIA 4; HETEROTOPIA, PERIVENTRICULAR, 1. Identifiers: Orphanet 2149, Orphanet 82004, MedGen C1848213, MONDO:0010233, OMIM 300049.
Melnick-Needles syndrome (MNS). Also called: Melnick-Needles Syndrome (FLNA-MNS); MELNICK-NEEDLES OSTEODYSPLASTY; OSTEODYSPLASTY OF MELNICK AND NEEDLES. Identifiers: Orphanet 2484, MedGen C0025237, MONDO:0010650, OMIM 309350.

gnomAD v4.1: 4 of 1,205,751 alleles (0.00033%); highest among the groups gnomAD compares: South Asian, 0.0053%; no homozygotes.

Submissions (3):

Blueprint Genetics
Classification: Likely benign. Last evaluated: 2024-01-03. Review status: criteria provided, single submitter. Criteria: ACMG Guidelines, 2015. Collection method: clinical testing. Allele origin: germline.

Labcorp Genetics (formerly Invitae), Labcorp
Classification: Likely benign for Oto-palato-digital syndrome, type II; Heterotopia, periventricular, X-linked dominant; Frontometaphyseal dysplasia; Melnick-Needles syndrome. Last evaluated: 2021-04-01. Review status: criteria provided, single submitter. Criteria: Invitae Variant Classification Sherloc (09022015). Collection method: clinical testing. Allele origin: germline.

PreventionGenetics, part of Exact Sciences
Classification: Likely benign for FLNA-related condition. Last evaluated: 2019-07-19. Review status: no assertion criteria provided. Collection method: clinical testing. Allele origin: germline. Not counted in ClinVar's aggregate classification.
Comment: This variant is classified as likely benign based on ACMG/AMP sequence variant interpretation guidelines (Richards et al. 2015 PMID: 25741868, with internal and published modifications).